The following is an entry in ClinVar:

NM_001711.6(BGN):c.732C>G (p.Ile244Met)

Gene: BGN (biglycan; plus strand). Cytogenetic location: Xq28.
Variant type: single nucleotide variant.
Coding change: c.732C>G on transcript NM_001711.6 (MANE Select); coding-DNA position 732, C replaced by G.
Protein change: p.Ile244Met; replaces isoleucine 244 with methionine.
Molecular consequence: missense variant.
Genome position (GRCh38, 1-based): chrX:153,506,885, C>G. VCF-style: chrX-153506885-C-G. GRCh37 (hg19) VCF-style: chrX-152772343-C-G.
Other names: short protein forms I244M.
Identifiers: ClinVar variation 4867449 (VCV004867449.1).

ClinVar aggregate classification (germline): Uncertain significance (1 of 4 stars; one submission).

Conditions:
Cardiovascular phenotype. Identifiers: MedGen CN230736.

Submission:

Ambry Genetics
Classification: Uncertain significance for Cardiovascular phenotype. Last evaluated: 2026-05-14. Review status: criteria provided, single submitter. Criteria: Ambry Variant Classification Scheme 2023. Collection method: clinical testing. Allele origin: germline.
Comment: The p.I244M variant (also known as c.732C>G), located in coding exon 5 of the BGN gene, results from a C to G substitution at nucleotide position 732. The isoleucine at codon 244 is replaced by methionine, an amino acid with highly similar properties. This amino acid position is conserved. In addition, this alteration is predicted to be tolerated by in silico analysis. Based on the available evidence, the clinical significance of this variant remains unclear.